The following is an entry in ClinVar:

ClinVar aggregate classification (germline): Likely benign. Review status: reviewed by expert panel (3 of 4 stars). 2 submissions from 2 submitters: Likely benign (1). 1 of the submissions does not count toward it. Last evaluated 2017-06-29.

Conditions:
Hereditary breast ovarian cancer syndrome. Also called: Hereditary breast and ovarian cancer syndrome; BRCA1- and BRCA2-Associated Hereditary Breast and Ovarian Cancer; Hereditary breast and/or ovarian cancer syndrome; Hereditary breast and ovarian cancer; Breast and ovarian cancer; Hereditary breast and ovarian cancer syndrome (HBOC). Identifiers: Orphanet 145, MedGen C0677776, MeSH D061325, MONDO:0003582. Disease mechanism: loss of function.
Breast-ovarian cancer, familial, susceptibility to, 2 (BROVCA2). Also called: BRCA2 Hereditary Breast and Ovarian Cancer. Identifiers: Orphanet 145, MedGen C2675520, MONDO:0012933, OMIM 612555. Disease mechanism: loss of function.

Submissions (2):

Evidence-based Network for the Interpretation of Germline Mutant Alleles (ENIGMA)
Classification: Likely benign for Breast-ovarian cancer, familial, susceptibility to, 2. Last evaluated: 2017-06-29. Review status: reviewed by expert panel. Criteria: ENIGMA BRCA1/2 Classification Criteria (2017-06-29). Collection method: curation. Allele origin: germline.
Comment: Synonymous substitution variant, with low bioinformatic likelihood to result in a splicing aberration (Splicing prior probability 0.02).

Labcorp Genetics (formerly Invitae), Labcorp
Classification: Likely benign for Hereditary breast ovarian cancer syndrome. Last evaluated: 2022-09-01. Review status: criteria provided, single submitter. Criteria: Invitae Variant Classification Sherloc (09022015). Collection method: clinical testing. Allele origin: germline. Not counted in ClinVar's aggregate classification.

NM_000059.4(BRCA2):c.8613G>A (p.Glu2871=)

Gene: BRCA2 (BRCA2 DNA repair associated; plus strand). Cytogenetic location: 13q13.1.
Variant type: single nucleotide variant.
Coding change: c.8613G>A on transcript NM_000059.4 (MANE Select); coding-DNA position 8613, G replaced by A.
Protein change: p.Glu2871=; no amino-acid change (glutamic acid 2871 retained).
Molecular consequence: synonymous variant.
Genome position (GRCh38, 1-based): chr13:32,371,081, G>A. VCF-style: chr13-32371081-G-A. GRCh37 (hg19) VCF-style: chr13-32945218-G-A.
Identifiers: ClinVar variation 427419 (VCV000427419.12), dbSNP rs1131692139, ClinGen allele CA483261561.
Genomic context (GRCh38, chr13:32,371,081, plus strand): 5'-AGCAAAATATGTGGAGGCCCAACAAAAGAGACTAGAAGCCTTATTCACTAAAATTCAGGA[G>A]GAATTTGAAGAACATGAAGGTAAAATTAGTTATATGGTACACATTGTTATTTCTAATATG-3'
Protein context (NP_000050.3, residues 2861-2881): RLEALFTKIQ[Glu2871=]EFEEHEENTT